The following is an entry in ClinVar:

NM_031885.5(BBS2):c.1652G>C (p.Ser551Thr)

Gene: BBS2 (Bardet-Biedl syndrome 2; minus strand). Cytogenetic location: 16q13.
Variant type: single nucleotide variant.
Coding change: c.1652G>C on transcript NM_031885.5 (MANE Select); coding-DNA position 1652, G replaced by C.
Protein change: p.Ser551Thr; replaces serine 551 with threonine.
Molecular consequence: missense variant. On other transcripts: non-coding transcript variant (5).
Genome position (GRCh38, 1-based): chr16:56,498,444, C>G on the plus strand (G>C on the coding strand, the complement: BBS2 is on the minus strand). VCF-style: chr16-56498444-C-G. GRCh37 (hg19) VCF-style: chr16-56532356-C-G.
Other names: c.1652G>C, p.Ser551Thr (NM_001377456.1); short protein forms S551T.
Identifiers: ClinVar variation 1482643 (VCV001482643.4), dbSNP rs1442649485, ClinGen allele CA395976306.

ClinVar aggregate classification (germline): Uncertain significance (1 of 4 stars; one submission).

Conditions:
Bardet-Biedl syndrome (BBS). Identifiers: Orphanet 110, MedGen C0752166, MONDO:0015229.

Submission:

Labcorp Genetics (formerly Invitae), Labcorp
Classification: Uncertain significance for Bardet-Biedl syndrome. Last evaluated: 2022-06-27. Review status: criteria provided, single submitter. Criteria: Invitae Variant Classification Sherloc (09022015). Collection method: clinical testing. Allele origin: germline.
Comment: In summary, the available evidence is currently insufficient to determine the role of this variant in disease. Therefore, it has been classified as a Variant of Uncertain Significance. Algorithms developed to predict the effect of missense changes on protein structure and function output the following: SIFT: "Tolerated"; PolyPhen-2: "Benign"; Align-GVGD: "Class C0". The threonine amino acid residue is found in multiple mammalian species, which suggests that this missense change does not adversely affect protein function. This variant has not been reported in the literature in individuals affected with BBS2-related conditions. This variant is not present in population databases (gnomAD no frequency). This sequence change replaces serine, which is neutral and polar, with threonine, which is neutral and polar, at codon 551 of the BBS2 protein (p.Ser551Thr).